The following is an entry in ClinVar:

NM_001375808.2(LPIN2):c.2399C>T (p.Pro800Leu)

Gene: LPIN2 (lipin 2; minus strand). Cytogenetic location: 18p11.31.
Variant type: single nucleotide variant.
Coding change: c.2399C>T on transcript NM_001375808.2 (MANE Select); coding-DNA position 2399, C replaced by T.
Protein change: p.Pro800Leu; replaces proline 800 with leucine.
Molecular consequence: missense variant.
Genome position (GRCh38, 1-based): chr18:2,921,576, G>A on the plus strand (C>T on the coding strand, the complement: LPIN2 is on the minus strand). VCF-style: chr18-2921576-G-A. GRCh37 (hg19) VCF-style: chr18-2921574-G-A.
Other names: c.2399C>T, p.Pro800Leu (NM_001375809.1, NM_014646.2); short protein forms P800L.
Identifiers: ClinVar variation 234523 (VCV000234523.8), dbSNP rs748431474, ClinGen allele CA8872740.

ClinVar aggregate classification (germline): Uncertain significance. Review status: criteria provided, multiple submitters, no conflicts (2 of 4 stars). 2 submissions from 2 submitters: Uncertain significance (2). Last evaluated 2022-08-06.

Conditions:
Majeed syndrome (MJDS). Also called: LPIN2-Related Majeed Syndrome; CHRONIC RECURRENT MULTIFOCAL OSTEOMYELITIS 1, WITH CONGENITAL DYSERYTHROPOIETIC ANEMIA, WITH OR WITHOUT NEUTROPHILIC DERMATOSIS. Identifiers: Orphanet 77297, MedGen C1864997, MONDO:0012316, OMIM 609628.

Allele frequency attached by ClinVar (database versions not stated): ExAC 0.00002; gnomAD exomes 0.00002; TOPMed 0.00003; gnomAD 0.00006.
gnomAD v4.1: 90 of 1,613,946 alleles (0.0056%); highest among the groups gnomAD compares: South Asian, 0.015%; no homozygotes.

Submissions (2):

Labcorp Genetics (formerly Invitae), Labcorp
Classification: Uncertain significance for Majeed syndrome. Last evaluated: 2022-08-06. Review status: criteria provided, single submitter. Criteria: Invitae Variant Classification Sherloc (09022015). Collection method: clinical testing. Allele origin: germline.
Comment: This sequence change replaces proline, which is neutral and non-polar, with leucine, which is neutral and non-polar, at codon 800 of the LPIN2 protein (p.Pro800Leu). This variant is present in population databases (rs748431474, gnomAD 0.006%). This variant has not been reported in the literature in individuals affected with LPIN2-related conditions. ClinVar contains an entry for this variant (Variation ID: 234523). Algorithms developed to predict the effect of missense changes on protein structure and function are either unavailable or do not agree on the potential impact of this missense change (SIFT: "Deleterious"; PolyPhen-2: "Probably Damaging"; Align-GVGD: "Class C0"). In summary, the available evidence is currently insufficient to determine the role of this variant in disease. Therefore, it has been classified as a Variant of Uncertain Significance.

GeneDx
Classification: Uncertain significance. Last evaluated: 2015-09-16. Review status: criteria provided, single submitter. Criteria: GeneDx Variant Classification (06012015). Collection method: clinical testing. Allele origin: germline. Affected: yes.
Comment: To our knowledge, the P800L variant has not been published as a mutation, nor has it been reported as a benign polymorphism. It was not observed in approximately 6,500 individuals of European and African American ancestry in the NHLBI Exome Sequencing Project, indicating it is not a common benign variant in these populations. The P800L variant is a semi-conservative amino acid substitution, which may impact secondary protein structure as these residues differ in some properties. This substitution occurs at a position that is conserved in mammals. However, in-silico analysis is inconsistent in its predictions as to whether or not the variant is damaging to the protein structure/function. Therefore, based on the currently available information, it is unclear whether this variant is a pathogenic mutation or a rare benign variant.